The following is an entry in ClinVar:

ClinVar aggregate classification (germline): Uncertain significance (1 of 4 stars; one submission).

gnomAD v4.1: 11 of 1,441,686 alleles (0.00076%); highest among the groups gnomAD compares: East Asian, 0.021%; no homozygotes.

Submission:

GeneDx
Classification: Uncertain significance. Last evaluated: 2024-09-16. Review status: criteria provided, single submitter. Criteria: GeneDx Variant Classification Process June 2021. Collection method: clinical testing. Allele origin: germline. Affected: yes.
Comment: In silico analysis indicates that this missense variant does not alter protein structure/function; Has not been previously published as pathogenic or benign to our knowledge

NM_006796.3(AFG3L2):c.50G>A (p.Arg17His)

Gene: AFG3L2 (AFG3 like matrix AAA peptidase subunit 2; minus strand). Cytogenetic location: 18p11.21.
Variant type: single nucleotide variant.
Coding change: c.50G>A on transcript NM_006796.3 (MANE Select); coding-DNA position 50, G replaced by A.
Protein change: p.Arg17His; replaces arginine 17 with histidine.
Molecular consequence: missense variant.
Genome position (GRCh38, 1-based): chr18:12,377,033, C>T on the plus strand (G>A on the coding strand, the complement: AFG3L2 is on the minus strand). VCF-style: chr18-12377033-C-T. GRCh37 (hg19) VCF-style: chr18-12377032-C-T.
Other names: short protein forms R17H.
Identifiers: ClinVar variation 3770071 (VCV003770071.1).